The following is an entry in ClinVar:

NM_004715.5(CTDP1):c.275G>A (p.Arg92Gln)

Gene: CTDP1 (CTD phosphatase subunit 1; plus strand). Cytogenetic location: 18q23.
Variant type: single nucleotide variant.
Coding change: c.275G>A on transcript NM_004715.5 (MANE Select); coding-DNA position 275, G replaced by A.
Protein change: p.Arg92Gln; replaces arginine 92 with glutamine.
Molecular consequence: missense variant.
Genome position (GRCh38, 1-based): chr18:79,680,222, G>A. VCF-style: chr18-79680222-G-A. GRCh37 (hg19) VCF-style: chr18-77440222-G-A.
Other names: c.275G>A, p.Arg92Gln (NM_001318511.2, NM_048368.4); short protein forms R92Q.
Identifiers: ClinVar variation 2190301 (VCV002190301.4), dbSNP rs966405383, ClinGen allele CA303774123.

ClinVar aggregate classification (germline): Uncertain significance. Review status: criteria provided, multiple submitters, no conflicts (2 of 4 stars). 2 submissions from 2 submitters: Uncertain significance (2). Last evaluated 2025-10-01.

Allele frequency attached by ClinVar (database versions not stated): gnomAD 0.00013; TOPMed 0.00013.
gnomAD v4.1: 28 of 1,360,092 alleles (0.0021%); highest among the groups gnomAD compares: African/African-American, 0.041%; no homozygotes.

Submissions (2):

Labcorp Genetics (formerly Invitae), Labcorp
Classification: Uncertain significance. Last evaluated: 2025-10-01. Review status: criteria provided, single submitter. Criteria: Invitae Variant Classification Sherloc (09022015). Collection method: clinical testing. Allele origin: germline.
Comment: This sequence change replaces arginine, which is basic and polar, with glutamine, which is neutral and polar, at codon 92 of the CTDP1 protein (p.Arg92Gln). This variant is present in population databases (no rsID available, gnomAD 0.03%). This variant has not been reported in the literature in individuals affected with CTDP1-related conditions. ClinVar contains an entry for this variant (Variation ID: 2190301). An algorithm developed to predict the effect of missense changes on protein structure and function (PolyPhen-2) suggests that this variant is likely to be tolerated. In summary, the available evidence is currently insufficient to determine the role of this variant in disease. Therefore, it has been classified as a Variant of Uncertain Significance.

Ambry Genetics
Classification: Uncertain significance. Last evaluated: 2025-08-11. Review status: criteria provided, single submitter. Criteria: Ambry Variant Classification Scheme 2023. Collection method: clinical testing. Allele origin: germline.